The following is an entry in ClinVar:

NM_015910.7(WDPCP):c.826-8C>A

Gene: WDPCP (WD repeat containing planar cell polarity effector; minus strand). Cytogenetic location: 2p15.
Variant type: single nucleotide variant.
Coding change: c.826-8C>A on transcript NM_015910.7 (MANE Select); 8 bases into the intron before coding-DNA position 826, C replaced by A.
Molecular consequence: intron variant.
Genome position (GRCh38, 1-based): chr2:63,404,665, G>T on the plus strand (C>A on the coding strand, the complement: WDPCP is on the minus strand). VCF-style: chr2-63404665-G-T. GRCh37 (hg19) VCF-style: chr2-63631800-G-T.
Other names: c.754-8C>A (NM_001354044.2); c.349-8C>A (NM_001042692.3); c.826-8C>A (NM_001354045.2, NM_015910.5).
Identifiers: ClinVar variation 1135623 (VCV001135623.13), dbSNP rs201860952, ClinGen allele CA1682326.
Genomic context (GRCh38, chr2:63,404,665, plus strand): 5'-GTGCCAAAGCGAACATCCAGTGGGTCCCATTCTGTGCGGACAGAACTCAGAACCTGTTAA[G>T]AAATATATCAAGTACATTCAGATAAACTTTGGTTTTTCTTCAACTTCACACCTAGGACTG-3'

ClinVar aggregate classification (germline): Likely benign. Review status: criteria provided, multiple submitters, no conflicts (2 of 4 stars). 3 submissions from 3 submitters: Likely benign (2). 1 of the submissions does not count toward it. Last evaluated 2026-01-25.

Conditions:
WDPCP-related disorder. Also called: WDPCP-related condition.
Bardet-Biedl syndrome (BBS). Identifiers: Orphanet 110, MedGen C0752166, MONDO:0015229.

Allele frequency attached by ClinVar (database versions not stated): TOPMed 0.00037; gnomAD 0.00038 and 0.00040; 1000 Genomes Project 0.00040; 1000 Genomes Project 30x 0.00047; ESP Exome Variant Server 0.00050.
gnomAD v4.1: 99 of 1,613,796 alleles (0.0061%); highest among the groups gnomAD compares: African/African-American, 0.12%; 1 homozygote.

Submissions (4):

Labcorp Genetics (formerly Invitae), Labcorp
Classification: Likely benign for Bardet-Biedl syndrome. Last evaluated: 2026-01-25. Review status: criteria provided, single submitter. Criteria: Invitae Variant Classification Sherloc (09022015). Collection method: clinical testing. Allele origin: germline.

Blueprint Genetics
Classification: Likely benign. Last evaluated: 2024-01-12. Review status: criteria provided, single submitter. Criteria: ACMG Guidelines, 2015. Collection method: clinical testing. Allele origin: germline.

PreventionGenetics, part of Exact Sciences
Classification: Likely benign for WDPCP-related condition. Last evaluated: 2021-04-06. Review status: no assertion criteria provided. Collection method: clinical testing. Allele origin: germline. Not counted in ClinVar's aggregate classification.
Comment: This variant is classified as likely benign based on ACMG/AMP sequence variant interpretation guidelines (Richards et al. 2015 PMID: 25741868, with internal and published modifications).

Dr. Peter K. Rogan Lab, Western University
No classification provided (evidence only). Condition: Uterine corpus endometrial carcinoma. Review status: no classification provided. Collection method: in vitro. Allele origin: not applicable. Functional consequence: skipped exon. Not counted in ClinVar's aggregate classification.